The following is an entry in ClinVar:

NM_020937.4(FANCM):c.1162G>A (p.Gly388Arg)

Gene: FANCM (FA complementation group M; plus strand). Cytogenetic location: 14q21.2.
Variant type: single nucleotide variant.
Coding change: c.1162G>A on transcript NM_020937.4 (MANE Select); coding-DNA position 1162, G replaced by A.
Protein change: p.Gly388Arg; replaces glycine 388 with arginine.
Molecular consequence: missense variant.
Genome position (GRCh38, 1-based): chr14:45,154,031, G>A. VCF-style: chr14-45154031-G-A. GRCh37 (hg19) VCF-style: chr14-45623234-G-A.
Other names: c.1084G>A, p.Gly362Arg (NM_001308133.2); c.1162G>A, p.Gly388Arg (NM_001308134.2); short protein forms G362R, G388R.
Identifiers: ClinVar variation 2484321 (VCV002484321.5), dbSNP rs1246647259, ClinGen allele CA389591024.

ClinVar aggregate classification (germline): Uncertain significance. Review status: criteria provided, multiple submitters, no conflicts (2 of 4 stars). 2 submissions from 2 submitters: Uncertain significance (2). Last evaluated 2025-03-22.

Conditions:
Fanconi anemia (FA). Also called: Fanconi's anemia. Identifiers: Orphanet 84, MedGen C0015625, MeSH D005199, MONDO:0019391.
Inborn genetic diseases. Identifiers: MedGen C0950123, MeSH D030342.

Allele frequency attached by ClinVar (database versions not stated): gnomAD exomes below 0.00001; TOPMed below 0.00001.

Submissions (2):

Ambry Genetics
Classification: Uncertain significance for Inborn genetic diseases. Last evaluated: 2025-03-22. Review status: criteria provided, single submitter. Criteria: Ambry Variant Classification Scheme 2023. Collection method: clinical testing. Allele origin: germline.
Comment: The p.G388R variant (also known as c.1162G>A), located in coding exon 6 of the FANCM gene, results from a G to A substitution at nucleotide position 1162. The glycine at codon 388 is replaced by arginine, an amino acid with dissimilar properties. This amino acid position is conserved. In addition, the in silico prediction for this alteration is inconclusive. Based on the available evidence, the clinical significance of this variant remains unclear.

Labcorp Genetics (formerly Invitae), Labcorp
Classification: Uncertain significance for Fanconi anemia. Last evaluated: 2025-03-20. Review status: criteria provided, single submitter. Criteria: Invitae Variant Classification Sherloc (09022015). Collection method: clinical testing. Allele origin: germline.
Comment: This sequence change replaces glycine, which is neutral and non-polar, with arginine, which is basic and polar, at codon 388 of the FANCM protein (p.Gly388Arg). This variant is present in population databases (no rsID available, gnomAD 0.0009%). This variant has not been reported in the literature in individuals affected with FANCM-related conditions. ClinVar contains an entry for this variant (Variation ID: 2484321). An algorithm developed to predict the effect of missense changes on protein structure and function (PolyPhen-2) suggests that this variant is likely to be tolerated. Algorithms developed to predict the effect of sequence changes on RNA splicing suggest that this variant may disrupt the consensus splice site. In summary, the available evidence is currently insufficient to determine the role of this variant in disease. Therefore, it has been classified as a Variant of Uncertain Significance.